The following is an entry in ClinVar:

NM_001083961.2(WDR62):c.562-95T>C

Gene: WDR62 (WD repeat domain 62; plus strand). Cytogenetic location: 19q13.12.
Variant type: single nucleotide variant.
Coding change: c.562-95T>C on transcript NM_001083961.2 (MANE Select); 95 bases into the intron before coding-DNA position 562, T replaced by C.
Molecular consequence: intron variant.
Genome position (GRCh38, 1-based): chr19:36,067,211, T>C. VCF-style: chr19-36067211-T-C. GRCh37 (hg19) VCF-style: chr19-36558113-T-C.
Other names: c.562-95T>C (NM_173636.5).
Identifiers: ClinVar variation 670276 (VCV000670276.2), dbSNP rs12608517, ClinGen allele CA14675372.

ClinVar aggregate classification (germline): Benign. Review status: criteria provided, multiple submitters, no conflicts (2 of 4 stars). 2 submissions from 2 submitters: Benign (2). Last evaluated 2018-06-19.

Allele frequency attached by ClinVar (database versions not stated): gnomAD exomes 0.70636; gnomAD 0.74441 and 0.74442; TOPMed 0.74580; 1000 Genomes Project 30x 0.77889; 1000 Genomes Project 0.78215.
gnomAD v4.1: 1,094,646 of 1,541,536 alleles (71%); highest among the groups gnomAD compares: East Asian, 82%; 390,328 homozygotes.

Submissions (2):

GeneDx
Classification: Benign. Last evaluated: 2018-06-19. Review status: criteria provided, single submitter. Criteria: GeneDx Variant Classification (06012015). Collection method: clinical testing. Allele origin: germline. Affected: yes.
Comment: This variant is considered likely benign or benign based on one or more of the following criteria: it is a conservative change, it occurs at a poorly conserved position in the protein, it is predicted to be benign by multiple in silico algorithms, and/or has population frequency not consistent with disease.

Breakthrough Genomics
Classification: Benign. Review status: criteria provided, single submitter. Criteria: ACMG Guidelines, 2015. Collection method: not provided. Allele origin: germline. Inheritance: Autosomal recessive inheritance. Affected: yes.